The following is an entry in ClinVar:

NM_000059.4(BRCA2):c.7493A>C (p.Lys2498Thr)

Gene: BRCA2 (BRCA2 DNA repair associated; plus strand). Cytogenetic location: 13q13.1.
Variant type: single nucleotide variant.
Coding change: c.7493A>C on transcript NM_000059.4 (MANE Select); coding-DNA position 7493, A replaced by C.
Protein change: p.Lys2498Thr; replaces lysine 2498 with threonine.
Molecular consequence: missense variant.
Genome position (GRCh38, 1-based): chr13:32,356,485, A>C. VCF-style: chr13-32356485-A-C. GRCh37 (hg19) VCF-style: chr13-32930622-A-C.
Other names: 7721A>C; short protein forms K2498T.
Identifiers: ClinVar variation 156173 (VCV000156173.17), dbSNP rs587776469, ClinGen allele CA025117.

ClinVar aggregate classification (germline): Conflicting classifications of pathogenicity. Review status: criteria provided, conflicting classifications (1 of 4 stars). 6 submissions from 6 submitters: Uncertain significance (3); Likely benign (1). 2 of the submissions do not count toward it. Last evaluated 2025-11-02.

Conditions:
Hereditary cancer-predisposing syndrome. Also called: Tumor predisposition; Neoplastic Syndromes, Hereditary; Hereditary neoplastic syndrome; Hereditary Cancer Syndrome. Identifiers: Orphanet 140162, MedGen C0027672, MeSH D009386, MONDO:0015356.
Hereditary breast ovarian cancer syndrome. Also called: Hereditary breast and ovarian cancer; Hereditary breast and ovarian cancer syndrome (HBOC); Hereditary breast and ovarian cancer syndrome; BRCA1- and BRCA2-Associated Hereditary Breast and Ovarian Cancer; Breast and ovarian cancer; Hereditary breast and/or ovarian cancer syndrome. Identifiers: Orphanet 145, MedGen C0677776, MeSH D061325, MONDO:0003582. Disease mechanism: loss of function.
Breast-ovarian cancer, familial, susceptibility to, 2 (BROVCA2). Also called: BRCA2 Hereditary Breast and Ovarian Cancer. Identifiers: Orphanet 145, MedGen C2675520, MONDO:0012933, OMIM 612555. Disease mechanism: loss of function.
Familial cancer of breast. Also called: BREAST CANCER, FAMILIAL; hereditary breast carcinoma; Hereditary breast cancer. Identifiers: Orphanet 227535, MedGen C0346153, MONDO:0016419, OMIM 114480. Disease mechanism: loss of function.

Allele frequency attached by ClinVar (database versions not stated): gnomAD exomes below 0.00001.
gnomAD v4.1: 2 of 1,614,236 alleles (0.00012%); highest among the groups gnomAD compares: Non-Finnish European, 0.00017%; no homozygotes.

Submissions (6):

Labcorp Genetics (formerly Invitae), Labcorp
Classification: Uncertain significance for Hereditary breast ovarian cancer syndrome. Last evaluated: 2025-11-02. Review status: criteria provided, single submitter. Criteria: Invitae Variant Classification Sherloc (09022015). Collection method: clinical testing. Allele origin: germline.
Comment: This sequence change replaces lysine, which is basic and polar, with threonine, which is neutral and polar, at codon 2498 of the BRCA2 protein (p.Lys2498Thr). This variant is not present in population databases (gnomAD no frequency). This variant has not been reported in the literature in individuals affected with BRCA2-related conditions. ClinVar contains an entry for this variant (Variation ID: 156173). Invitae Evidence Modeling of protein sequence and biophysical properties (such as structural, functional, and spatial information, amino acid conservation, physicochemical variation, residue mobility, and thermodynamic stability) has been performed for this missense variant. However, the output from this modeling did not meet the statistical confidence thresholds required to predict the impact of this variant on BRCA2 protein function. In summary, the available evidence is currently insufficient to determine the role of this variant in disease. Therefore, it has been classified as a Variant of Uncertain Significance.

Ambry Genetics
Classification: Likely benign for Hereditary cancer-predisposing syndrome. Last evaluated: 2025-04-25. Review status: criteria provided, single submitter. Criteria: Ambry Variant Classification Scheme 2023. Collection method: clinical testing. Allele origin: germline.

Baylor Genetics
Classification: Uncertain significance for Familial cancer of breast. Last evaluated: 2024-03-26. Review status: criteria provided, single submitter. Criteria: ACMG Guidelines, 2015. Collection method: clinical testing. Allele origin: unknown.

Quest Diagnostics Nichols Institute San Juan Capistrano
Classification: Uncertain significance. Last evaluated: 2023-10-24. Review status: criteria provided, single submitter. Criteria: Quest Diagnostics criteria. Collection method: clinical testing. Allele origin: unknown.
Comment: The BRCA2 c.7493A>C (p.Lys2498Thr) variant has been reported in the published literature in an individual with breast cancer (PMID: 33471991 (2021), see also LOVD).This variant has not been reported in large, multi-ethnic general populations (Genome Aggregation Database). Analysis of this variant using bioinformatics tools for the prediction of the effect of amino acid changes on protein structure and function yielded predictions that this variant is damaging. Based on the available information, we are unable to determine the clinical significance of this variant.

Counsyl
Classification: Uncertain significance for Breast-ovarian cancer, familial, susceptibility to, 2. Last evaluated: 2017-06-27. Review status: no assertion criteria provided. Collection method: clinical testing. Allele origin: unknown. Not counted in ClinVar's aggregate classification.

Sharing Clinical Reports Project (SCRP)
Classification: Uncertain significance for Breast-ovarian cancer, familial 2. Last evaluated: 2011-05-13. Review status: no assertion criteria provided. Collection method: clinical testing. Allele origin: germline. Not counted in ClinVar's aggregate classification.

Literature cited by the submitters: PubMed 33471991 (cited by Quest Diagnostics Nichols Institute San Juan Capistrano).